The following is an entry in ClinVar:

NM_022915.5(MRPL44):c.520G>A (p.Ala174Thr)

Gene: MRPL44 (mitochondrial ribosomal protein L44; plus strand). Cytogenetic location: 2q36.1.
Variant type: single nucleotide variant.
Coding change: c.520G>A on transcript NM_022915.5 (MANE Select); coding-DNA position 520, G replaced by A.
Protein change: p.Ala174Thr; replaces alanine 174 with threonine.
Molecular consequence: missense variant.
Genome position (GRCh38, 1-based): chr2:223,959,874, G>A. VCF-style: chr2-223959874-G-A. GRCh37 (hg19) VCF-style: chr2-224824591-G-A.
Other names: short protein forms A174T.
Identifiers: ClinVar variation 1439085 (VCV001439085.8), dbSNP rs2106116675, ClinGen allele CA350807038.
Genomic context (GRCh38, chr2:223,959,874, plus strand): 5'-AAAAATCTTGTTGACTTTCTCACTGGTGAGGAAGTCGTGTGTCACGTGGCTAGAAACTTG[G>A]CTGTGGAGCAGTTAACACTGAGTGAAGAATTCCCAGTGCCCCCAGCTGTGTTACAGCAGA-3'
Protein context (NP_075066.1, residues 164-184): EVVCHVARNL[Ala174Thr]VEQLTLSEEF

ClinVar aggregate classification (germline): Uncertain significance (1 of 4 stars; one submission).

Submission:

Labcorp Genetics (formerly Invitae), Labcorp
Classification: Uncertain significance. Last evaluated: 2021-02-01. Review status: criteria provided, single submitter. Criteria: Invitae Variant Classification Sherloc (09022015). Collection method: clinical testing. Allele origin: germline.
Comment: In summary, the available evidence is currently insufficient to determine the role of this variant in disease. Therefore, it has been classified as a Variant of Uncertain Significance. Algorithms developed to predict the effect of missense changes on protein structure and function are either unavailable or do not agree on the potential impact of this missense change (SIFT: "Deleterious"; PolyPhen-2: "Benign"; Align-GVGD: "Class C0"). This variant has not been reported in the literature in individuals with MRPL44-related conditions. This variant is not present in population databases (ExAC no frequency). This sequence change replaces alanine with threonine at codon 174 of the MRPL44 protein (p.Ala174Thr). The alanine residue is moderately conserved and there is a small physicochemical difference between alanine and threonine.